The following is an entry in ClinVar:

ClinVar aggregate classification (germline): Likely benign. Review status: criteria provided, multiple submitters, no conflicts (2 of 4 stars). 2 submissions from 2 submitters: Likely benign (2). Last evaluated 2025-08-03.

Conditions:
CHARGE syndrome (CHARGE). Also called: CHARGE ASSOCIATION--COLOBOMA, HEART ANOMALY, CHOANAL ATRESIA, RETARDATION, GENITAL AND EAR ANOMALIES; Coloboma, heart anomaly, choanal atresia, retardation, genital and ear anomalies; CHARGE association; Hall-Hittner syndrome; Hittner Hirsch Kreh syndrome. Identifiers: Orphanet 138, MedGen C0265354, MONDO:0008965.

Allele frequency attached by ClinVar (database versions not stated): TOPMed below 0.00001.
gnomAD v4.1: 26 of 1,612,628 alleles (0.0016%); highest among the groups gnomAD compares: East Asian, 0.013%; no homozygotes.

Submissions (2):

Labcorp Genetics (formerly Invitae), Labcorp
Classification: Likely benign for CHARGE syndrome. Last evaluated: 2025-08-03. Review status: criteria provided, single submitter. Criteria: Invitae Variant Classification Sherloc (09022015). Collection method: clinical testing. Allele origin: germline.

CeGaT Center for Human Genetics Tuebingen
Classification: Likely benign. Last evaluated: 2022-11-01. Review status: criteria provided, single submitter. Criteria: CeGaT Center For Human Genetics Tuebingen Variant Classification Criteria Version 2. Collection method: clinical testing. Allele origin: germline. Affected: yes. Observed: 1 variant allele.
Comment: CHD7: BP4, BP7

NM_017780.4(CHD7):c.72C>T (p.Leu24=)

Gene: CHD7 (chromodomain helicase DNA binding protein 7; plus strand). Cytogenetic location: 8q12.2.
Variant type: single nucleotide variant.
Coding change: c.72C>T on transcript NM_017780.4 (MANE Select); coding-DNA position 72, C replaced by T.
Protein change: p.Leu24=; no amino-acid change (leucine 24 retained).
Molecular consequence: synonymous variant.
Genome position (GRCh38, 1-based): chr8:60,741,504, C>T. VCF-style: chr8-60741504-C-T. GRCh37 (hg19) VCF-style: chr8-61654063-C-T.
Other names: c.72C>T, p.Leu24= (NM_001316690.1).
Identifiers: ClinVar variation 77374 (VCV000077374.32), dbSNP rs267601960, ClinGen allele CA4759258.